The following is an entry in ClinVar:

NM_004836.7(EIF2AK3):c.1601T>C (p.Ile534Thr)

Gene: EIF2AK3 (eukaryotic translation initiation factor 2 alpha kinase 3; minus strand). Cytogenetic location: 2p11.2.
Variant type: single nucleotide variant.
Coding change: c.1601T>C on transcript NM_004836.7 (MANE Select); coding-DNA position 1601, T replaced by C.
Protein change: p.Ile534Thr; replaces isoleucine 534 with threonine.
Molecular consequence: missense variant.
Genome position (GRCh38, 1-based): chr2:88,585,890, A>G on the plus strand (T>C on the coding strand, the complement: EIF2AK3 is on the minus strand). VCF-style: chr2-88585890-A-G. GRCh37 (hg19) VCF-style: chr2-88885408-A-G.
Other names: c.1148T>C, p.Ile383Thr (NM_001313915.2); short protein forms I534T, I383T.
Identifiers: ClinVar variation 337413 (VCV000337413.10), dbSNP rs747376208, ClinGen allele CA1754668.

ClinVar aggregate classification (germline): Uncertain significance. Review status: criteria provided, multiple submitters, no conflicts (2 of 4 stars). 3 submissions from 3 submitters: Uncertain significance (3). Last evaluated 2022-10-25.

Conditions:
Wolcott-Rallison dysplasia. Also called: MED-IDDM SYNDROME; Wolcott-Rallison syndrome. Identifiers: Orphanet 1667, MedGen C0432217, MONDO:0009192, OMIM 226980.

Allele frequency attached by ClinVar (database versions not stated): gnomAD 0.00001; gnomAD exomes 0.00002 and 0.00006; TOPMed 0.00002; ExAC 0.00007.
gnomAD v4.1: 31 of 1,614,038 alleles (0.0019%); highest among the groups gnomAD compares: East Asian, 0.058%; no homozygotes.

Submissions (3):

Labcorp Genetics (formerly Invitae), Labcorp
Classification: Uncertain significance. Last evaluated: 2022-10-25. Review status: criteria provided, single submitter. Criteria: Invitae Variant Classification Sherloc (09022015). Collection method: clinical testing. Allele origin: germline.
Comment: This sequence change replaces isoleucine, which is neutral and non-polar, with threonine, which is neutral and polar, at codon 534 of the EIF2AK3 protein (p.Ile534Thr). This variant is present in population databases (rs747376208, gnomAD 0.1%). This variant has not been reported in the literature in individuals affected with EIF2AK3-related conditions. ClinVar contains an entry for this variant (Variation ID: 337413). Algorithms developed to predict the effect of missense changes on protein structure and function (SIFT, PolyPhen-2, Align-GVGD) all suggest that this variant is likely to be tolerated. In summary, the available evidence is currently insufficient to determine the role of this variant in disease. Therefore, it has been classified as a Variant of Uncertain Significance.

Fulgent Genetics
Classification: Uncertain significance for Wolcott-Rallison dysplasia. Last evaluated: 2022-03-12. Review status: criteria provided, single submitter. Criteria: ACMG Guidelines, 2015. Collection method: clinical testing. Allele origin: unknown.

Illumina Laboratory Services, Illumina
Classification: Uncertain significance for Wolcott-Rallison dysplasia. Last evaluated: 2018-01-12. Review status: criteria provided, single submitter. Criteria: ICSL Variant Classification Criteria 13 December 2019. Collection method: clinical testing. Allele origin: germline.